The following is an entry in ClinVar:

NM_176787.5(PIGN):c.1189A>T (p.Lys397Ter)

Gene: PIGN (phosphatidylinositol glycan anchor biosynthesis class N; minus strand). Cytogenetic location: 18q21.33.
Variant type: single nucleotide variant.
Coding change: c.1189A>T on transcript NM_176787.5 (MANE Select); coding-DNA position 1189, A replaced by T.
Protein change: p.Lys397Ter; replaces lysine 397 with a stop codon.
Molecular consequence: nonsense.
Genome position (GRCh38, 1-based): chr18:62,114,623, T>A on the plus strand (A>T on the coding strand, the complement: PIGN is on the minus strand). VCF-style: chr18-62114623-T-A. GRCh37 (hg19) VCF-style: chr18-59781856-T-A.
Other names: c.1189A>T, p.Lys397Ter (NM_012327.6); short protein forms K397*.
Identifiers: ClinVar variation 851133 (VCV000851133.11), dbSNP rs1050258088, ClinGen allele CA301712517.

ClinVar aggregate classification (germline): Pathogenic/Likely pathogenic. Review status: criteria provided, multiple submitters, no conflicts (2 of 4 stars). 3 submissions from 3 submitters: Pathogenic (1); Likely pathogenic (2). Last evaluated 2025-06-20.

Conditions:
Multiple congenital anomalies-hypotonia-seizures syndrome 1 (MCAHS1). Also called: PIGN-CDG; Congenital disorder of glycosylation due to PIGN deficiency; GLYCOSYLPHOSPHATIDYLINOSITOL BIOSYNTHESIS DEFECT 3. Identifiers: Orphanet 280633, MedGen C3279775, MONDO:0013563, OMIM 614080.

Allele frequency attached by ClinVar (database versions not stated): gnomAD 0.00001; TOPMed 0.00003.
gnomAD v4.1: 22 of 1,505,776 alleles (0.0015%); highest among the groups gnomAD compares: Non-Finnish European, 0.0019%; no homozygotes.

Submissions (3):

First Genomix Gene Laboratory, Genetic Diagnostics Department
Classification: Likely pathogenic for Multiple congenital anomalies-hypotonia-seizures syndrome 1. Last evaluated: 2025-06-20. Review status: criteria provided, single submitter. Criteria: ACMG Guidelines, 2015. Collection method: clinical testing. Allele origin: germline. Inheritance: Autosomal recessive inheritance. Affected: no. Observed: 1 variant allele.

Labcorp Genetics (formerly Invitae), Labcorp
Classification: Pathogenic for Multiple congenital anomalies-hypotonia-seizures syndrome 1. Last evaluated: 2025-05-26. Review status: criteria provided, single submitter. Criteria: Invitae Variant Classification Sherloc (09022015). Collection method: clinical testing. Allele origin: germline.
Comment: This sequence change creates a premature translational stop signal (p.Lys397*) in the PIGN gene. It is expected to result in an absent or disrupted protein product. Loss-of-function variants in PIGN are known to be pathogenic (PMID: 24253414, 27038415). This variant is not present in population databases (gnomAD no frequency). This variant has not been reported in the literature in individuals affected with PIGN-related conditions. ClinVar contains an entry for this variant (Variation ID: 851133). Algorithms developed to predict the effect of sequence changes on RNA splicing suggest that this variant may disrupt the consensus splice site. For these reasons, this variant has been classified as Pathogenic.

GeneDx
Classification: Likely pathogenic. Last evaluated: 2025-03-26. Review status: criteria provided, single submitter. Criteria: GeneDx Variant Classification Process June 2021. Collection method: clinical testing. Allele origin: germline. Affected: yes.
Comment: Nonsense variant predicted to result in protein truncation or nonsense mediated decay in a gene for which loss of function is a known mechanism of disease; Not observed at significant frequency in large population cohorts (gnomAD); Has not been previously published as pathogenic or benign to our knowledge

Literature cited by the submitters: PubMed 24253414 (cited by Labcorp Genetics (formerly Invitae), Labcorp); PubMed 27038415 (cited by Labcorp Genetics (formerly Invitae), Labcorp).